The following is an entry in ClinVar:

ClinVar aggregate classification (germline): Uncertain significance (1 of 4 stars; one submission).

Conditions:
Hereditary cancer-predisposing syndrome. Also called: Neoplastic Syndromes, Hereditary; Tumor predisposition; Hereditary neoplastic syndrome; Hereditary Cancer Syndrome. Identifiers: Orphanet 140162, MedGen C0027672, MeSH D009386, MONDO:0015356.

Submission:

Ambry Genetics
Classification: Uncertain significance for Hereditary cancer-predisposing syndrome. Last evaluated: 2026-06-15. Review status: criteria provided, single submitter. Criteria: Ambry Variant Classification Scheme 2023. Collection method: clinical testing. Allele origin: germline.
Comment: The p.C2646S variant (also known as c.7936T>A), located in coding exon 16 of the BRCA2 gene, results from a T to A substitution at nucleotide position 7936. The cysteine at codon 2646 is replaced by serine, an amino acid with dissimilar properties. Two saturation genome editing-based studies, including a haploid cell-survival assay and a humanized mouse embryonic stem cell line assay of drug response and survival, demonstrate that this nucleotide substitution is functional (Huang H et al. Nature, 2025 Feb;638:528-537; Sahu S et al. Nature, 2025 Feb;638:538-545). This amino acid position is highly conserved in available vertebrate species. In addition, this alteration is predicted to be deleterious by in silico analysis. Based on the available evidence, the clinical significance of this variant remains unclear.

Literature cited by the submitters: PubMed 39779848; PubMed 39779857.

NM_000059.4(BRCA2):c.7936T>A (p.Cys2646Ser)

Gene: BRCA2 (BRCA2 DNA repair associated; plus strand). Cytogenetic location: 13q13.1.
Variant type: single nucleotide variant.
Coding change: c.7936T>A on transcript NM_000059.4 (MANE Select); coding-DNA position 7936, T replaced by A.
Protein change: p.Cys2646Ser; replaces cysteine 2646 with serine.
Molecular consequence: missense variant. On other transcripts: non-coding transcript variant (1).
Genome position (GRCh38, 1-based): chr13:32,362,653, T>A. VCF-style: chr13-32362653-T-A. GRCh37 (hg19) VCF-style: chr13-32936790-T-A.
Other names: c.7840T>A, p.Cys2614Ser (NM_001406719.1); c.7936T>A, p.Cys2646Ser (NM_001406720.1, NM_001432077.1); c.3004T>A, p.Cys1002Ser (NM_001406721.1); c.1519T>A, p.Cys507Ser (NM_001406722.1); short protein forms C1002S, C2646S, C507S, C2614S.
Identifiers: ClinVar variation 5033243 (VCV005033243.1).